The following is an entry in ClinVar:

NM_000088.4(COL1A1):c.4056_4060del (p.Thr1353fs)

Gene: COL1A1 (collagen type I alpha 1 chain; minus strand). Cytogenetic location: 17q21.33.
Variant type: Deletion.
Coding change: c.4056_4060del on transcript NM_000088.4 (MANE Select); coding-DNA positions 4056 to 4060, 5 bases deleted (GACCT; older notation c.4056_4060delGACCT).
Protein change: p.Thr1353fs; shifts the reading frame from threonine 1353.
Molecular consequence: frameshift variant.
Genome position (GRCh38, 1-based): chr17:50,185,966-50,185,970, AGGTC deleted on the plus strand (GACCT on the coding strand, the reverse complement: COL1A1 is on the minus strand); deleting any 5 consecutive bases within chr17:50,185,966-50,185,972 gives the same sequence; the c. name uses the placement nearest the transcript's 3' end. VCF-style (leftmost placement, unchanged base first): chr17-50185965-AAGGTC-A. GRCh37 (hg19) VCF-style: chr17-48263326-AAGGTC-A.
Other names: short protein forms T1353fs.
Identifiers: ClinVar variation 2751738 (VCV002751738.3), dbSNP rs2509157043, ClinGen allele CA2697560245.

ClinVar aggregate classification (germline): Pathogenic (1 of 4 stars; one submission).

Conditions:
Osteogenesis imperfecta type I (OI1). Also called: Lobstein's Disease; Lobstein disease; OI, TYPE I; OSTEOGENESIS IMPERFECTA TARDA; OSTEOGENESIS IMPERFECTA WITH BLUE SCLERAE; Osteogenesis imperfecta type 1. Identifiers: Orphanet 216796, Orphanet 666, MedGen C0023931, MONDO:0008146, OMIM 166200. Disease mechanism: loss of function.

Submission:

Labcorp Genetics (formerly Invitae), Labcorp
Classification: Pathogenic for Osteogenesis imperfecta type I. Last evaluated: 2023-09-19. Review status: criteria provided, single submitter. Criteria: Invitae Variant Classification Sherloc (09022015). Collection method: clinical testing. Allele origin: germline.
Comment: This variant has not been reported in the literature in individuals affected with COL1A1-related conditions. For these reasons, this variant has been classified as Pathogenic. This variant disrupts a region of the COL1A1 protein in which other variant(s) (p.Leu1464Pro) have been determined to be pathogenic (PMID: 8723681, 27509835, 27519266). This suggests that this is a clinically significant region of the protein, and that variants that disrupt it are likely to be disease-causing. This variant is not present in population databases (gnomAD no frequency). This sequence change creates a premature translational stop signal (p.Thr1353Profs*74) in the COL1A1 gene. While this is not anticipated to result in nonsense mediated decay, it is expected to disrupt the last 112 amino acid(s) of the COL1A1 protein.

Literature cited by the submitters: PubMed 8723681; PubMed 27509835; PubMed 27519266.